The following is an entry in ClinVar:

ClinVar aggregate classification (germline): Likely benign. Review status: criteria provided, multiple submitters, no conflicts (2 of 4 stars). 4 submissions from 4 submitters: Likely benign (3). 1 of the submissions does not count toward it. Last evaluated 2026-02-02.

Conditions:
NBAS-related disorder. Also called: NBAS-related condition.

Allele frequency attached by ClinVar (database versions not stated): 1000 Genomes Project 30x 0.00125; 1000 Genomes Project 0.00140; ExAC 0.00220; gnomAD exomes 0.00226 and 0.00377; TOPMed 0.00249; gnomAD 0.00257 and 0.00266; ESP Exome Variant Server 0.00292.
gnomAD v4.1: 5,832 of 1,613,492 alleles (0.36%); highest among the groups gnomAD compares: Non-Finnish European, 0.46%; 12 homozygotes.

Submissions (4):

Labcorp Genetics (formerly Invitae), Labcorp
Classification: Likely benign. Last evaluated: 2026-02-02. Review status: criteria provided, single submitter. Criteria: Invitae Variant Classification Sherloc (09022015). Collection method: clinical testing. Allele origin: germline.

Blueprint Genetics
Classification: Likely benign. Last evaluated: 2024-11-26. Review status: criteria provided, single submitter. Criteria: ACMG Guidelines, 2015. Collection method: clinical testing. Allele origin: germline.

CeGaT Center for Human Genetics Tuebingen
Classification: Likely benign. Last evaluated: 2024-10-01. Review status: criteria provided, single submitter. Criteria: CeGaT Center For Human Genetics Tuebingen Variant Classification Criteria Version 2. Collection method: clinical testing. Allele origin: germline. Affected: yes. Observed: 8 variant alleles.
Comment: NBAS: BP4, BS2

PreventionGenetics, part of Exact Sciences
Classification: Likely benign for NBAS-related condition. Last evaluated: 2022-02-03. Review status: no assertion criteria provided. Collection method: clinical testing. Allele origin: germline. Not counted in ClinVar's aggregate classification.
Comment: This variant is classified as likely benign based on ACMG/AMP sequence variant interpretation guidelines (Richards et al. 2015 PMID: 25741868, with internal and published modifications).

NM_015909.4(NBAS):c.3067T>C (p.Tyr1023His)

Gene: NBAS (NBAS subunit of NRZ tethering complex; minus strand). Cytogenetic location: 2p24.3.
Variant type: single nucleotide variant.
Coding change: c.3067T>C on transcript NM_015909.4 (MANE Select); coding-DNA position 3067, T replaced by C.
Protein change: p.Tyr1023His; replaces tyrosine 1023 with histidine.
Molecular consequence: missense variant. On other transcripts: non-coding transcript variant (1).
Genome position (GRCh38, 1-based): chr2:15,402,172, A>G on the plus strand (T>C on the coding strand, the complement: NBAS is on the minus strand). VCF-style: chr2-15402172-A-G. GRCh37 (hg19) VCF-style: chr2-15542296-A-G.
Other names: short protein forms Y1023H.
Identifiers: ClinVar variation 709138 (VCV000709138.54), dbSNP rs75566418, ClinGen allele CA1536181.